The following is an entry in ClinVar:

ClinVar aggregate classification (germline): Conflicting classifications of pathogenicity. Review status: criteria provided, conflicting classifications (1 of 4 stars). 4 submissions from 4 submitters: Uncertain significance (3); Likely benign (1). Last evaluated 2025-12-19.

Conditions:
Cardiovascular phenotype. Identifiers: MedGen CN230736.
Long QT syndrome (LQTS). Identifiers: MedGen C0023976, MeSH D008133, MONDO:0002442. Disease mechanism: loss of function. Inheritance: Various modes of inheritance.
Cardiac arrhythmia, ankyrin-B-related. Also called: ANKYRIN-B SYNDROME. Identifiers: Orphanet 101016, Orphanet 768, MedGen C1970119, MONDO:0010958, OMIM 600919.

Allele frequency attached by ClinVar (database versions not stated): gnomAD 0.00005; TOPMed 0.00008; ESP Exome Variant Server 0.00015.
gnomAD v4.1: 27 of 1,614,052 alleles (0.0017%); highest among the groups gnomAD compares: African/African-American, 0.015%; no homozygotes.

Submissions (4):

Labcorp Genetics (formerly Invitae), Labcorp
Classification: Uncertain significance for Long QT syndrome. Last evaluated: 2025-12-19. Review status: criteria provided, single submitter. Criteria: Invitae Variant Classification Sherloc (09022015). Collection method: clinical testing. Allele origin: germline.
Comment: This sequence change replaces methionine, which is neutral and non-polar, with valine, which is neutral and non-polar, at codon 3019 of the ANK2 protein (p.Met3019Val). This variant is present in population databases (rs370499072, gnomAD 0.02%). This missense change has been observed in individual(s) with autism spectrum disorder (PMID: 28263302). ClinVar contains an entry for this variant (Variation ID: 406469). An algorithm developed to predict the effect of missense changes on protein structure and function outputs the following: PolyPhen-2: "Benign". The valine amino acid residue is found in multiple mammalian species, which suggests that this missense change does not adversely affect protein function. In summary, the available evidence is currently insufficient to determine the role of this variant in disease. Therefore, it has been classified as a Variant of Uncertain Significance.

GeneDx
Classification: Uncertain significance. Last evaluated: 2024-02-21. Review status: criteria provided, single submitter. Criteria: GeneDx Variant Classification Process June 2021. Collection method: clinical testing. Allele origin: germline. Affected: yes.
Comment: In silico analysis supports that this missense variant does not alter protein structure/function; This variant is associated with the following publications: (PMID: 28263302, 31785789)

Fulgent Genetics
Classification: Uncertain significance for Cardiac arrhythmia, ankyrin-B-related. Last evaluated: 2021-08-15. Review status: criteria provided, single submitter. Criteria: ACMG Guidelines, 2015. Collection method: clinical testing. Allele origin: unknown.

Ambry Genetics
Classification: Likely benign for Cardiovascular phenotype. Last evaluated: 2019-01-08. Review status: criteria provided, single submitter. Criteria: Ambry Variant Classification Scheme 2023. Collection method: clinical testing. Allele origin: germline.

Literature cited by the submitters: PubMed 28263302 (cited by Labcorp Genetics (formerly Invitae), Labcorp and Ambry Genetics).

NM_001148.6(ANK2):c.9055A>G (p.Met3019Val)

Gene: ANK2 (ankyrin 2; plus strand). Cytogenetic location: 4q26.
Variant type: single nucleotide variant.
Coding change: c.9055A>G on transcript NM_001148.6 (MANE Select); coding-DNA position 9055, A replaced by G.
Protein change: p.Met3019Val; replaces methionine 3019 with valine.
Molecular consequence: missense variant. On other transcripts: intron variant (68).
Genome position (GRCh38, 1-based): chr4:113,357,673, A>G. VCF-style: chr4-113357673-A-G. GRCh37 (hg19) VCF-style: chr4-114278829-A-G.
Other names: c.8821A>G, p.Met2941Val (NM_001386142.1); c.5455A>G, p.Met1819Val (NM_001386166.1); c.9196A>G, p.Met3066Val (NM_001386174.1); c.9172A>G, p.Met3058Val (NM_001386175.1); c.4412-3150A>G (NM_001386186.2, NM_001386148.2); c.4214-3150A>G (NM_001354269.3); c.4292-3150A>G (NM_001386187.2); c.4253-3150A>G (NM_001386147.1); and 35 more; short protein forms M3019V, M1819V, M2941V, M3058V, M3066V.
Identifiers: ClinVar variation 406469 (VCV000406469.9), dbSNP rs370499072, ClinGen allele CA3051864.
Genomic context (GRCh38, chr4:113,357,673, plus strand): 5'-CAGGAAAGTACCTTGTGGGAAATGCAATCAGACAGTGTCTCTTCATCTTTCGAGCCTACT[A>G]TGTCCGCTACAACAACAGTTGTTGGTGAACAAATAAGCAAAGTCATCATCACAAAAACTG-3'
Protein context (NP_001139.3, residues 3009-3029): DSVSSSFEPT[Met3019Val]SATTTVVGEQ